The following is an entry in ClinVar:

Conditions:
Breast-ovarian cancer, familial, susceptibility to, 1 (BROVCA1). Also called: BRCA1 Hereditary Breast and Ovarian Cancer; OVARIAN CANCER, SUSCEPTIBILITY TO. Identifiers: Orphanet 145, MedGen C2676676, MONDO:0011450, OMIM 604370. Disease mechanism: loss of function.

Submission:

Brotman Baty Institute, University of Washington
No classification provided (evidence only). Condition: Breast-ovarian cancer, familial 1. Review status: no classification provided. Collection method: in vitro. Allele origin: not applicable. Functional consequence: functionally_normal.
ClinVar note: "not provided" was previously submitted as the classification for the variant. However, the classification appeared to be based only on an observation of functional data so it was converted to no classification on 2025-07-30.

NM_007294.4(BRCA1):c.134+14T>A

Gene: BRCA1 (BRCA1 DNA repair associated; minus strand). Cytogenetic location: 17q21.31.
Variant type: single nucleotide variant.
Coding change: c.134+14T>A on transcript NM_007294.4 (MANE Select); 14 bases into the intron after coding-DNA position 134, T replaced by A.
Molecular consequence: intron variant.
Genome position (GRCh38, 1-based): chr17:43,115,712, A>T on the plus strand (T>A on the coding strand, the complement: BRCA1 is on the minus strand). VCF-style: chr17-43115712-A-T. GRCh37 (hg19) VCF-style: chr17-41267729-A-T.
Other names: c.-8+14T>A (NM_001408458.1, NM_001408470.1, NM_001407848.1 and 47 more transcripts); c.-219+9565T>A (NM_001407967.1); c.-170+9565T>A (NM_001407959.1); c.-7-9179T>A (NM_001407931.1, NM_001407747.1, NM_001408511.1 and 2 more transcripts); c.-170+14T>A (NM_001407962.1, NM_001408512.1, NM_001408510.1 and 1 more transcripts); c.-55+14T>A (NM_001407885.1, NM_001407886.1, NM_001408509.1 and 52 more transcripts); c.-124+14T>A (NM_001407746.1, NM_001408468.1, NM_001407842.1 and 13 more transcripts); c.-8+8305T>A (NM_001408461.1, NM_001407738.1, NM_001407932.1 and 23 more transcripts); and 10 more.
Identifiers: ClinVar variation 867528 (VCV000867528.3), dbSNP rs2055239309, ClinGen allele CA916080965.